The following is an entry in ClinVar:

ClinVar aggregate classification (germline): Uncertain significance (1 of 4 stars; one submission).

Allele frequency attached by ClinVar (database versions not stated): gnomAD exomes below 0.00001; gnomAD 0.00001.
gnomAD v4.1: 4 of 1,607,076 alleles (0.00025%); highest among the groups gnomAD compares: Admixed American, 0.0034%; no homozygotes.

Submission:

Labcorp Genetics (formerly Invitae), Labcorp
Classification: Uncertain significance. Last evaluated: 2022-02-04. Review status: criteria provided, single submitter. Criteria: Invitae Variant Classification Sherloc (09022015). Collection method: clinical testing. Allele origin: germline.
Comment: This sequence change replaces tyrosine, which is neutral and polar, with cysteine, which is neutral and slightly polar, at codon 3807 of the USH2A protein (p.Tyr3807Cys). This variant is not present in population databases (gnomAD no frequency). This variant has not been reported in the literature in individuals affected with USH2A-related conditions. Algorithms developed to predict the effect of missense changes on protein structure and function (SIFT, PolyPhen-2, Align-GVGD) all suggest that this variant is likely to be disruptive. In summary, the available evidence is currently insufficient to determine the role of this variant in disease. Therefore, it has been classified as a Variant of Uncertain Significance.

NM_206933.4(USH2A):c.11420A>G (p.Tyr3807Cys)

Gene: USH2A (usherin; minus strand). Cytogenetic location: 1q41.
Variant type: single nucleotide variant.
Coding change: c.11420A>G on transcript NM_206933.4 (MANE Select); coding-DNA position 11420, A replaced by G.
Protein change: p.Tyr3807Cys; replaces tyrosine 3807 with cysteine.
Molecular consequence: missense variant.
Genome position (GRCh38, 1-based): chr1:215,743,305, T>C on the plus strand (A>G on the coding strand, the complement: USH2A is on the minus strand). VCF-style: chr1-215743305-T-C. GRCh37 (hg19) VCF-style: chr1-215916647-T-C.
Other names: short protein forms Y3807C.
Identifiers: ClinVar variation 1952876 (VCV001952876.2), dbSNP rs1660358608, ClinGen allele CA344835467.
Genomic context (GRCh38, chr1:215,743,305, plus strand): 5'-TGATGATGACCAACGGAGAAGGCCAGAGGTGTTACACTTCCATCATTGAGTAAGACATTG[T>C]ACTCCACAGGAATTTCGGGGATGAGGATCCCTTTAAAGAGAGAGAGAGAGAGAGAACATT-3'
Protein context (NP_996816.3, residues 3797-3817): GILIPEIPVE[Tyr3807Cys]NVLLNDGSVT